The following is an entry in ClinVar:

ClinVar aggregate classification (germline): Uncertain significance (1 of 4 stars; one submission).

gnomAD v4.1: 1 of 1,614,084 alleles (0.000062%); highest among the groups gnomAD compares: Non-Finnish European, 0.000085%; no homozygotes.

Submission:

Labcorp Genetics (formerly Invitae), Labcorp
Classification: Uncertain significance. Last evaluated: 2022-10-25. Review status: criteria provided, single submitter. Criteria: Invitae Variant Classification Sherloc (09022015). Collection method: clinical testing. Allele origin: germline.
Comment: In summary, the available evidence is currently insufficient to determine the role of this variant in disease. Therefore, it has been classified as a Variant of Uncertain Significance. Variants that disrupt the consensus splice site are a relatively common cause of aberrant splicing (PMID: 17576681, 9536098). Algorithms developed to predict the effect of sequence changes on RNA splicing suggest that this variant may disrupt the consensus splice site. ClinVar contains an entry for this variant (Variation ID: 1502766). This variant has not been reported in the literature in individuals affected with SZT2-related conditions. This variant is not present in population databases (gnomAD no frequency). This sequence change falls in intron 66 of the SZT2 gene. It does not directly change the encoded amino acid sequence of the SZT2 protein. It affects a nucleotide within the consensus splice site.

Literature cited by the submitters: PubMed 17576681; PubMed 9536098.

NM_001365999.1(SZT2):c.9441-3C>G

Genes: SZT2 (SZT2 subunit of KICSTOR complex; plus strand), SZT2-AS1 (SZT2 antisense RNA 1; minus strand). Cytogenetic location: 1p34.2.
Variant type: single nucleotide variant.
Coding change: c.9441-3C>G on transcript NM_001365999.1 (MANE Select); 3 bases into the intron before coding-DNA position 9441, C replaced by G.
Molecular consequence: intron variant. On other transcripts: non-coding transcript variant (1).
Genome position (GRCh38, 1-based): chr1:43,447,846, C>G. VCF-style: chr1-43447846-C-G. GRCh37 (hg19) VCF-style: chr1-43913517-C-G.
Other names: c.9270-3C>G (NM_015284.4).
Identifiers: ClinVar variation 1502766 (VCV001502766.6), dbSNP rs2153936866, ClinGen allele CA417551574.